The following is an entry in ClinVar:

ClinVar aggregate classification (germline): Pathogenic (0 of 4 stars; one submission).

Conditions:
Autosomal recessive nonsyndromic hearing loss 28. Identifiers: Orphanet 90636, MedGen C1853276, MONDO:0012355, OMIM 609823.

Submission:

Hereditary Research Laboratory, Bethlehem University
Classification: Pathogenic for Autosomal recessive nonsyndromic hearing loss 28. Last evaluated: 2016-06-04. Review status: no assertion criteria provided. Collection method: research. Allele origin: germline. Affected: yes.
Comment: Moderate to severe

NM_001039141.3(TRIOBP):c.1447C>T (p.Gln483Ter)

Gene: TRIOBP (TRIO and F-actin binding protein; plus strand). Cytogenetic location: 22q13.1.
Variant type: single nucleotide variant.
Coding change: c.1447C>T on transcript NM_001039141.3 (MANE Select); coding-DNA position 1447, C replaced by T.
Protein change: p.Gln483Ter; replaces glutamine 483 with a stop codon.
Molecular consequence: nonsense.
Genome position (GRCh38, 1-based): chr22:37,724,003, C>T. VCF-style: chr22-37724003-C-T. GRCh37 (hg19) VCF-style: chr22-38120010-C-T.
Other names: short protein forms Q483*.
Identifiers: ClinVar variation 402280 (VCV000402280.1), dbSNP rs1060499809, ClinGen allele CA16609584.